The following is an entry in ClinVar:

ClinVar aggregate classification (germline): Conflicting classifications of pathogenicity. Review status: criteria provided, conflicting classifications (1 of 4 stars). 4 submissions from 4 submitters: Uncertain significance (1); Likely benign (3). Last evaluated 2025-06-30.

Conditions:
Carney-Stratakis syndrome. Also called: PARAGANGLIOMA AND GASTROINTESTINAL STROMAL TUMOR. Identifiers: Orphanet 97286, MedGen C1847319, MONDO:0011740, OMIM 606864.
Paragangliomas with sensorineural hearing loss. Identifiers: MedGen C1868633.
Pheochromocytoma. Also called: MAX-Related Hereditary Paraganglioma-Pheochromocytoma Syndrome. Identifiers: Orphanet 29072, MedGen C0031511, MONDO:0008233, OMIM 171300, HP:0002666.
Cowden syndrome 3 (CWS3). Identifiers: Orphanet 201, MedGen CN166604, MONDO:0014045.
Hereditary pheochromocytoma and paraganglioma. Also called: Hereditary paragangliomas and pheochromocytomas; Hereditary pheochromocytoma-paraganglioma; Hereditary Paraganglioma-Pheochromocytoma Syndromes. Identifiers: Orphanet 29072, MedGen C4274332, MONDO:0017366.
Hereditary cancer-predisposing syndrome. Also called: Tumor predisposition; Neoplastic Syndromes, Hereditary; Hereditary Cancer Syndrome; Hereditary neoplastic syndrome. Identifiers: Orphanet 140162, MedGen C0027672, MeSH D009386, MONDO:0015356.

Submissions (4):

Ambry Genetics
Classification: Likely benign for Hereditary cancer-predisposing syndrome. Last evaluated: 2025-06-30. Review status: criteria provided, single submitter. Criteria: Ambry Variant Classification Scheme 2023. Collection method: clinical testing. Allele origin: germline.

All of Us Research Program, National Institutes of Health
Classification: Likely benign for Hereditary pheochromocytoma and paraganglioma. Last evaluated: 2024-05-30. Review status: criteria provided, single submitter. Criteria: ACMG Guidelines, 2015. Collection method: clinical testing. Allele origin: germline. Inheritance: Autosomal dominant inheritance. Observed: 1 variant allele, 1 heterozygote.
Comment: This study involves interpretation of variants in research participants for the purpose of population health screening. Participant phenotype was not available at the time of variant classification. Additional details can be found in publication PMID: 35346344, PMCID: PMC8962531

GeneDx
Classification: Uncertain significance. Last evaluated: 2023-06-06. Review status: criteria provided, single submitter. Criteria: GeneDx Variant Classification Process June 2021. Collection method: clinical testing. Allele origin: germline. Affected: yes.
Comment: Not observed at significant frequency in large population cohorts (gnomAD); In silico analysis supports that this variant does not alter splicing; Has not been previously published as pathogenic or benign to our knowledge

Labcorp Genetics (formerly Invitae), Labcorp
Classification: Likely benign for Carney-Stratakis syndrome; Paragangliomas with sensorineural hearing loss; Pheochromocytoma; Cowden syndrome 3. Last evaluated: 2022-05-06. Review status: criteria provided, single submitter. Criteria: Invitae Variant Classification Sherloc (09022015). Collection method: clinical testing. Allele origin: germline.

NM_003002.4(SDHD):c.405C>T (p.Thr135=)

Gene: SDHD (succinate dehydrogenase complex subunit D; plus strand). Cytogenetic location: 11q23.1.
Variant type: single nucleotide variant.
Coding change: c.405C>T on transcript NM_003002.4 (MANE Select); coding-DNA position 405, C replaced by T.
Protein change: p.Thr135=; no amino-acid change (threonine 135 retained).
Molecular consequence: synonymous variant. On other transcripts: 3 prime UTR variant (2), non-coding transcript variant (1).
Genome position (GRCh38, 1-based): chr11:112,094,895, C>T. VCF-style: chr11-112094895-C-T. GRCh37 (hg19) VCF-style: chr11-111965619-C-T.
Other names: c.*2C>T (NM_001276503.2); c.288C>T, p.Thr96= (NM_001276504.2); c.*103C>T (NM_001276506.2); c.405C>T (NM_003002.2).
Identifiers: ClinVar variation 1107186 (VCV001107186.13), dbSNP rs1555187606, ClinGen allele CA476790956.